The following is an entry in ClinVar:

NM_000179.3(MSH6):c.817G>A (p.Gly273Arg)

Gene: MSH6 (mutS homolog 6; plus strand). Cytogenetic location: 2p16.3.
Variant type: single nucleotide variant.
Coding change: c.817G>A on transcript NM_000179.3 (MANE Select); coding-DNA position 817, G replaced by A.
Protein change: p.Gly273Arg; replaces glycine 273 with arginine.
Molecular consequence: missense variant. On other transcripts: 5 prime UTR variant (2).
Genome position (GRCh38, 1-based): chr2:47,798,800, G>A. VCF-style: chr2-47798800-G-A. GRCh37 (hg19) VCF-style: chr2-48025939-G-A.
Other names: p.G273R:GGA>AGA; c.427G>A, p.Gly143Arg (NM_001281492.2); c.-90G>A (NM_001281493.2, NM_001281494.2); short protein forms G273R, G143R.
Identifiers: ClinVar variation 127605 (VCV000127605.24), dbSNP rs587779948, ClinGen allele CA016493.

ClinVar aggregate classification (germline): Conflicting classifications of pathogenicity. Review status: criteria provided, conflicting classifications (1 of 4 stars). 5 submissions from 5 submitters: Uncertain significance (4); Likely benign (1). Last evaluated 2025-12-13.

Conditions:
Hereditary nonpolyposis colorectal neoplasms. Identifiers: MedGen C0009405, MeSH D003123.
Hereditary cancer-predisposing syndrome. Also called: Hereditary Cancer Syndrome; Hereditary neoplastic syndrome; Tumor predisposition; Neoplastic Syndromes, Hereditary. Identifiers: Orphanet 140162, MedGen C0027672, MeSH D009386, MONDO:0015356.
Lynch syndrome. Identifiers: Orphanet 144, MedGen C4552100, MONDO:0005835. Disease mechanism: loss of function.

Allele frequency attached by ClinVar (database versions not stated): gnomAD exomes below 0.00001.

Submissions (5):

Labcorp Genetics (formerly Invitae), Labcorp
Classification: Likely benign for Hereditary nonpolyposis colorectal neoplasms. Last evaluated: 2025-12-13. Review status: criteria provided, single submitter. Criteria: Invitae Variant Classification Sherloc (09022015). Collection method: clinical testing. Allele origin: germline.

Color Diagnostics, LLC DBA Color Health
Classification: Uncertain significance for Hereditary cancer-predisposing syndrome. Last evaluated: 2025-12-05. Review status: criteria provided, single submitter. Criteria: ACMG Guidelines, 2015. Collection method: clinical testing. Allele origin: germline.
Comment: This missense variant replaces glycine with arginine at codon 273 of the MSH6 protein. Computational prediction suggests that this variant may not impact protein structure and function. To our knowledge, functional studies have not been reported for this variant. This variant has not been reported in individuals affected with MSH6-related disorders in the literature. This variant has been identified in 2/1614172 chromosomes in the general population by the Genome Aggregation Database (gnomAD). The available evidence is insufficient to determine the role of this variant in disease conclusively. Therefore, this variant is classified as a Variant of Uncertain Significance.

GeneDx
Classification: Uncertain significance. Last evaluated: 2025-03-31. Review status: criteria provided, single submitter. Criteria: GeneDx Variant Classification Process June 2021. Collection method: clinical testing. Allele origin: germline. Affected: yes.
Comment: Not observed at significant frequency in large population cohorts (gnomAD); In silico analysis indicates that this missense variant does not alter protein structure/function; Observed in an individual with breast cancer (PMID: 34326862); This variant is associated with the following publications: (PMID: 21437237, 34326862)

Ambry Genetics
Classification: Uncertain significance for Hereditary cancer-predisposing syndrome. Last evaluated: 2025-01-16. Review status: criteria provided, single submitter. Criteria: Ambry Variant Classification Scheme 2023. Collection method: clinical testing. Allele origin: germline.
Comment: The p.G273R variant (also known as c.817G>A), located in coding exon 4 of the MSH6 gene, results from a G to A substitution at nucleotide position 817. The glycine at codon 273 is replaced by arginine, an amino acid with dissimilar properties. This amino acid position is not well conserved in available vertebrate species. In addition, the in silico prediction for this alteration is inconclusive. Since supporting evidence is limited at this time, the clinical significance of this alteration remains unclear.

All of Us Research Program, National Institutes of Health
Classification: Uncertain significance for Lynch syndrome. Last evaluated: 2024-01-11. Review status: criteria provided, single submitter. Criteria: ACMG Guidelines, 2015. Collection method: clinical testing. Allele origin: germline. Inheritance: Autosomal dominant inheritance. Observed: 3 variant alleles, 3 heterozygotes.
Comment: This missense variant replaces glycine with arginine at codon 273 of the MSH6 protein. Computational prediction suggests that this variant may not impact protein structure and function (internally defined REVEL score threshold <= 0.5, PMID: 27666373). Splice site prediction tools suggest that this variant may not impact RNA splicing. To our knowledge, functional studies have not been performed for this variant. This variant has not been reported in individuals affected with hereditary cancer in the literature. This variant has been identified in 1/251074 chromosomes in the general population by the Genome Aggregation Database (gnomAD). The available evidence is insufficient to determine the role of this variant in disease conclusively. Therefore, this variant is classified as a Variant of Uncertain Significance.

This study involves interpretation of variants in research participants for the purpose of population health screening. Participant phenotype was not available at the time of variant classification. Additional details can be found in publication PMID: 35346344, PMCID: PMC8962531